The following is an entry in ClinVar:

ClinVar aggregate classification (germline): Likely pathogenic. Review status: criteria provided, multiple submitters, no conflicts (2 of 4 stars). 2 submissions from 2 submitters: Likely pathogenic (2). Last evaluated 2025-01-16.

Conditions:
Holocarboxylase synthetase deficiency. Also called: MULTIPLE CARBOXYLASE DEFICIENCY, EARLY ONSET. Identifiers: Orphanet 79242, MedGen C0268581, MONDO:0009666, OMIM 253270.

Submissions (2):

Natera, Inc.
Classification: Likely pathogenic for Holocarboxylase synthetase deficiency. Last evaluated: 2025-01-16. Review status: criteria provided, single submitter. Criteria: Natera Variant Classification Schema (03/2026). Collection method: clinical testing. Allele origin: germline.
Comment: The c.782dup variant in HLCS is a frameshift variant predicted to shift the reading frame beginning at codon 262 and leads to a stop codon 15 codons downstream. This variant is expected to result in nonsense mediated decay, truncation, or a dysfunctional protein product. This variant is rare in the general population with a frequency below the threshold expected for the associated phenotype(s). Given the available evidence, this variant is classified as Likely Pathogenic.

Baylor Genetics
Classification: Likely pathogenic for Holocarboxylase synthetase deficiency. Last evaluated: 2023-07-06. Review status: criteria provided, single submitter. Criteria: ACMG Guidelines, 2015. Collection method: clinical testing. Allele origin: unknown.

NM_001352514.2(HLCS):c.1223dup (p.Ala409fs)

Gene: HLCS (holocarboxylase synthetase; minus strand). Cytogenetic location: 21q22.13.
Variant type: Duplication.
Coding change: c.1223dup on transcript NM_001352514.2 (MANE Select); coding-DNA position 1223, one base duplicated (G; older notation c.1223dupG).
Protein change: p.Ala409fs; shifts the reading frame from alanine 409.
Molecular consequence: frameshift variant. On other transcripts: non-coding transcript variant (2).
Genome position (GRCh38, 1-based): chr21:36,936,663, C duplicated on the plus strand (G on the coding strand, the reverse complement: HLCS is on the minus strand); the first of 3 consecutive C bases (chr21:36,936,663-36,936,665); duplicating any one gives the same sequence. VCF-style (leftmost placement, unchanged base first): chr21-36936662-A-AC. GRCh37 (hg19) VCF-style: chr21-38308962-A-AC.
Other names: c.782dup, p.Ala262fs (NM_000411.8, NM_001242784.3, NM_001242785.2 and 4 more transcripts); c.782dup (NM_000411.7); short protein forms A262fs, A409fs.
Identifiers: ClinVar variation 2676010 (VCV002676010.3), dbSNP rs771944310, ClinGen allele CA2695201446.
Genomic context (GRCh38, chr21:36,936,662, plus strand): 5'-CTTCACCTCGCTCTGGTCAGCCTTGGAGAAAACCAAGTTCTGGACTGTCTTGTGCAGTGC[A>AC]CCCTTGCTTGTCACCTGAAAGCCACCAAAGGTGAAGGATGAAGACAGGCCCAACACCTTC-3'